The following is an entry in ClinVar:

NM_001267550.2(TTN):c.71032C>G (p.Gln23678Glu)

Genes: TTN (titin; minus strand), TTN-AS1 (TTN antisense RNA 1; plus strand). Cytogenetic location: 2q31.2.
Variant type: single nucleotide variant.
Coding change: c.71032C>G on transcript NM_001267550.2 (MANE Select); coding-DNA position 71032, C replaced by G.
Protein change: p.Gln23678Glu; replaces glutamine 23678 with glutamic acid.
Molecular consequence: missense variant.
Genome position (GRCh38, 1-based): chr2:178,575,100, G>C on the plus strand (C>G on the coding strand, the complement: TTN is on the minus strand). VCF-style: chr2-178575100-G-C. GRCh37 (hg19) VCF-style: chr2-179439827-G-C.
Other names: c.43837C>G, p.Gln14613Glu (NM_003319.4); c.63328C>G, p.Gln21110Glu (NM_133378.4); c.44212C>G, p.Gln14738Glu (NM_133432.3); c.44413C>G, p.Gln14805Glu (NM_133437.4); c.66109C>G, p.Gln22037Glu (NM_001256850.1); short protein forms Q14613E, Q14738E, Q14805E, Q21110E, Q22037E, Q23678E.
Identifiers: ClinVar variation 2437969 (VCV002437969.5), dbSNP rs778124569, ClinGen allele CA1990686.

ClinVar aggregate classification (germline): Conflicting classifications of pathogenicity. Review status: criteria provided, conflicting classifications (1 of 4 stars). 3 submissions from 3 submitters: Uncertain significance (2); Likely benign (1). Last evaluated 2025-12-10.

Conditions:
TTN-related disorder. Also called: TTN-related condition; TTN-related disease; TTN-related disorders.

Allele frequency attached by ClinVar (database versions not stated): TOPMed below 0.00001; ExAC 0.00005; gnomAD 0.00002; gnomAD exomes 0.00004.
gnomAD v4.1: 64 of 1,613,146 alleles (0.004%); highest among the groups gnomAD compares: South Asian, 0.036%; no homozygotes.

Submissions (3):

PreventionGenetics, part of Exact Sciences
Classification: Uncertain significance for TTN-related condition. Last evaluated: 2025-12-10. Review status: criteria provided, single submitter. Criteria: ACMG Guidelines, 2015. Collection method: clinical testing. Allele origin: germline.
Comment: The TTN c.71032C>G variant is predicted to result in the amino acid substitution p.Gln23678Glu. To our knowledge, this variant has not been reported in the literature. This variant is reported in 0.036% of alleles in individuals of South Asian descent in gnomAD. At this time, the clinical significance of this variant is uncertain due to the absence of conclusive functional and genetic evidence.

Blueprint Genetics
Classification: Likely benign. Last evaluated: 2023-10-03. Review status: criteria provided, single submitter. Criteria: ACMG Guidelines, 2015. Collection method: clinical testing. Allele origin: germline.

Revvity Omics, Revvity
Classification: Uncertain significance. Last evaluated: 2020-10-14. Review status: criteria provided, single submitter. Criteria: ACMG Guidelines, 2015. Collection method: clinical testing. Allele origin: germline.